The following is an entry in ClinVar:

ClinVar aggregate classification (germline): Pathogenic (1 of 4 stars; one submission).

Conditions:
Hereditary spastic paraplegia 4. Also called: Spastic paraplegia 4, autosomal dominant; Spastic Paraplegia 4; Familial spastic paraplegia autosomal dominant 2. Identifiers: Orphanet 100985, MedGen C1866855, MONDO:0008438, OMIM 182601.

Submission:

Labcorp Genetics (formerly Invitae), Labcorp
Classification: Pathogenic for Hereditary spastic paraplegia 4. Last evaluated: 2022-10-24. Review status: criteria provided, single submitter. Criteria: Invitae Variant Classification Sherloc (09022015). Collection method: clinical testing. Allele origin: germline.
Comment: This variant is a gross deletion of the genomic region encompassing exon(s) 1 of the SPAST gene, which includes the initiator codon. This deletion extends beyond the assayed region for this gene and therefore may encompass additional genes. It is expected to result in an absent or disrupted protein product. Loss-of-function variants in SPAST are known to be pathogenic (PMID: 20932283). A similar copy number variant has been observed in individual(s) with hereditary spastic paraplegia (PMID: 15637712, 17098887, 22203332, 24451228, 24824479). It has also been observed to segregate with disease in related individuals. The region of the SPAST gene that includes exon(s) 1 has been determined to be clinically significant (PMID: 17098887, 22203332, 24451228, 24824479). Therefore, deletions that encompass that region are likely to be disease-causing. For these reasons, this variant has been classified as Pathogenic.

Literature cited by the submitters: PubMed 20932283; PubMed 15637712; PubMed 17098887; PubMed 22203332; PubMed 24451228; PubMed 24824479.

NC_000002.12:g.(?_32063822)_(32064256_?)del

Gene: SPAST (spastin; plus strand). Cytogenetic location: 2p22.3.
Variant type: Deletion.
Identifiers: ClinVar variation 831670 (VCV000831670.2).